The following is an entry in ClinVar:

ClinVar aggregate classification (germline): Benign (1 of 4 stars; one submission).

Conditions:
Hypophosphatemic rickets, autosomal recessive, 1 (ARHR1). Also called: HYPOPHOSPHATEMIA, AUTOSOMAL RECESSIVE. Identifiers: Orphanet 289176, MedGen C4551495, MONDO:0009430, OMIM 241520. Disease mechanism: loss of function.

Allele frequency attached by ClinVar (database versions not stated): gnomAD 0.04473 and 0.04782; TOPMed 0.05102; 1000 Genomes Project 0.05551; 1000 Genomes Project 30x 0.06168.

Submission:

Illumina Laboratory Services, Illumina
Classification: Benign for Hypophosphatemic rickets, autosomal recessive, 1. Last evaluated: 2018-01-13. Review status: criteria provided, single submitter. Criteria: ICSL Variant Classification Criteria 13 December 2019. Collection method: clinical testing. Allele origin: germline.
Comment: This variant was observed in the ICSL laboratory as part of a predisposition screen in an ostensibly healthy population. It had not been previously curated by ICSL or reported in the Human Gene Mutation Database (HGMD: prior to June 1st, 2018), and was therefore a candidate for classification through an automated scoring system. Utilizing variant allele frequency, disease prevalence and penetrance estimates, and inheritance mode, an automated score was calculated to assess if this variant is too frequent to cause the disease. Based on the score and internal cut-off values, a variant classified as benign is not then subjected to further curation. The score for this variant resulted in a classification of benign for this disease.

NM_004407.4(DMP1):c.*905A>G

Genes: DMP1-AS1 (DMP1 and DSPP antisense RNA 1; minus strand), DMP1 (dentin matrix acidic phosphoprotein 1; plus strand). Cytogenetic location: 4q22.1.
Variant type: single nucleotide variant.
Coding change: c.*905A>G on transcript NM_004407.4 (MANE Select); 905 bases downstream of the stop codon, A replaced by G.
Molecular consequence: 3 prime UTR variant.
Genome position (GRCh38, 1-based): chr4:87,664,225, A>G. VCF-style: chr4-87664225-A-G. GRCh37 (hg19) VCF-style: chr4-88585377-A-G.
Other names: c.*905A>G (NM_001079911.3).
Identifiers: ClinVar variation 350003 (VCV000350003.5), dbSNP rs73843105, ClinGen allele CA10619504.
Genomic context (GRCh38, chr4:87,664,225, plus strand): 5'-TTTACGTAGATACTTTTTAGCTTTATTTTTTCTAAAATCAGTTTGCGTGCAATGCTAGAA[A>G]AAAACTGTTCTCTGAGTCCTTTACAGAGCAAAATTCTGTATGTAAGATTCAATTGATTTT-3'